The following is an entry in ClinVar:

ClinVar aggregate classification (germline): Uncertain significance (1 of 4 stars; one submission).

Conditions:
Cardiovascular phenotype. Identifiers: MedGen CN230736.

Submission:

Ambry Genetics
Classification: Uncertain significance for Cardiovascular phenotype. Last evaluated: 2024-02-23. Review status: criteria provided, single submitter. Criteria: Ambry Variant Classification Scheme 2023. Collection method: clinical testing. Allele origin: germline.
Comment: The c.1048_1049delGCinsCA variant (also known as p.A350H), located in coding exon 5 of the ALPK3 gene, results from an in-frame deletion of GC and insertion of CA at nucleotide positions 1048 to 1049. This results in the substitution of the alanine residue for a histidine residue at codon 350, an amino acid with similar properties. This amino acid position is well conserved in available vertebrate species. In addition, the in silico prediction for this alteration is inconclusive (Choi Y et al. PLoS ONE. 2012; 7(10):e46688). Based on the available evidence, the clinical significance of this alteration remains unclear.

NM_020778.5(ALPK3):c.442_443delinsCA (p.Ala148His)

Gene: ALPK3 (alpha kinase 3; plus strand). Cytogenetic location: 15q25.3.
Variant type: Indel.
Coding change: c.442_443delinsCA on transcript NM_020778.5 (MANE Select); coding-DNA positions 442 to 443, GC replaced by CA.
Protein change: p.Ala148His; replaces alanine 148 with histidine.
Molecular consequence: missense variant.
Genome position (GRCh38, 1-based): chr15:84,839,721-84,839,722, GC replaced by CA. VCF-style: chr15-84839721-GC-CA. GRCh37 (hg19) VCF-style: chr15-85382952-GC-CA.
Other names: short protein forms A148H.
Identifiers: ClinVar variation 3227435 (VCV003227435.1), dbSNP rs2505704760, ClinGen allele CA2825002307.